The following is an entry in ClinVar:

NM_001191061.2(SLC25A22):c.653C>T (p.Ala218Val)

Gene: SLC25A22 (solute carrier family 25 member 22; minus strand). Cytogenetic location: 11p15.5.
Variant type: single nucleotide variant.
Coding change: c.653C>T on transcript NM_001191061.2 (MANE Select); coding-DNA position 653, C replaced by T.
Protein change: p.Ala218Val; replaces alanine 218 with valine.
Molecular consequence: missense variant.
Genome position (GRCh38, 1-based): chr11:792,393, G>A on the plus strand (C>T on the coding strand, the complement: SLC25A22 is on the minus strand). VCF-style: chr11-792393-G-A. GRCh37 (hg19) VCF-style: chr11-792393-G-A.
Other names: c.653C>T, p.Ala218Val (NM_001191060.2, NM_024698.6); short protein forms A218V.
Identifiers: ClinVar variation 1021010 (VCV001021010.10), dbSNP rs150645806, ClinGen allele CA5789106.

ClinVar aggregate classification (germline): Uncertain significance. Review status: criteria provided, multiple submitters, no conflicts (2 of 4 stars). 3 submissions from 3 submitters: Uncertain significance (3). Last evaluated 2024-09-02.

Conditions:
Inborn genetic diseases. Identifiers: MedGen C0950123, MeSH D030342.
Developmental and epileptic encephalopathy. Identifiers: MedGen C5779964, MONDO:0100620.

Allele frequency attached by ClinVar (database versions not stated): gnomAD exomes 0.00001 and 0.00004; ExAC 0.00003; gnomAD 0.00013 and 0.00014; ESP Exome Variant Server 0.00015; TOPMed 0.00015.
gnomAD v4.1: 40 of 1,613,202 alleles (0.0025%); highest among the groups gnomAD compares: African/African-American, 0.043%; no homozygotes.

Submissions (3):

Ambry Genetics
Classification: Uncertain significance for Inborn genetic diseases. Last evaluated: 2024-09-02. Review status: criteria provided, single submitter. Criteria: Ambry Variant Classification Scheme 2023. Collection method: clinical testing. Allele origin: germline.

Labcorp Genetics (formerly Invitae), Labcorp
Classification: Uncertain significance for Early-infantile DEE. Last evaluated: 2022-11-01. Review status: criteria provided, single submitter. Criteria: Invitae Variant Classification Sherloc (09022015). Collection method: clinical testing. Allele origin: germline.
Comment: This sequence change replaces alanine, which is neutral and non-polar, with valine, which is neutral and non-polar, at codon 218 of the SLC25A22 protein (p.Ala218Val). This variant is present in population databases (rs150645806, gnomAD 0.05%). This variant has not been reported in the literature in individuals affected with SLC25A22-related conditions. ClinVar contains an entry for this variant (Variation ID: 1021010). Advanced modeling of protein sequence and biophysical properties (such as structural, functional, and spatial information, amino acid conservation, physicochemical variation, residue mobility, and thermodynamic stability) performed at Invitae indicates that this missense variant is not expected to disrupt SLC25A22 protein function. In summary, the available evidence is currently insufficient to determine the role of this variant in disease. Therefore, it has been classified as a Variant of Uncertain Significance.

GeneDx
Classification: Uncertain significance. Last evaluated: 2019-01-10. Review status: criteria provided, single submitter. Criteria: GeneDx Variant Classification Process June 2021. Collection method: clinical testing. Allele origin: germline. Affected: yes.
Comment: In silico analysis, which includes protein predictors and evolutionary conservation, supports that this variant does not alter protein structure/function; Has not been previously published as pathogenic or benign to our knowledge